The following is an entry in ClinVar:

NM_198880.3(QRICH1):c.845dup (p.Leu282fs)

Gene: QRICH1 (glutamine rich 1; minus strand). Cytogenetic location: 3p21.31.
Variant type: Duplication.
Coding change: c.845dup on transcript NM_198880.3 (MANE Select); coding-DNA position 845, one base duplicated (T; older notation c.845dupT).
Protein change: p.Leu282fs; shifts the reading frame from leucine 282.
Molecular consequence: frameshift variant.
Genome position (GRCh38, 1-based): chr3:49,057,355, A duplicated on the plus strand (T on the coding strand, the reverse complement: QRICH1 is on the minus strand); the first of 3 consecutive A bases (chr3:49,057,355-49,057,357); duplicating any one gives the same sequence. VCF-style (leftmost placement, unchanged base first): chr3-49057354-C-CA. GRCh37 (hg19) VCF-style: chr3-49094787-C-CA.
Other names: NM_017730.4:c.845dup; c.845dup, p.Leu282fs (NM_001320583.2, NM_001320584.1, NM_001320585.1 and 4 more transcripts); short protein forms L282fs.
Identifiers: ClinVar variation 2674595 (VCV002674595.1), dbSNP rs2471708593, ClinGen allele CA2582343050.

ClinVar aggregate classification (germline): Pathogenic (1 of 4 stars; one submission).

Conditions:
Ververi-Brady syndrome. Identifiers: MedGen C4693824, MONDO:0979877, MONDO:0060707.

Submission:

Broad Center for Mendelian Genomics, Broad Institute of MIT and Harvard
Classification: Pathogenic for Ververi-Brady syndrome. Last evaluated: 2023-12-21. Review status: criteria provided, single submitter. Criteria: ACMG Guidelines, 2015. Collection method: curation. Allele origin: germline. Inheritance: Autosomal dominant inheritance. Study: GREGoR Consortium.
Comment: The heterozygous p.Leu282PhefsTer22 variant in QRICH1 was identified by our study in 2 siblings with Ververi-Brady syndrome. Trio exome analysis showed this variant to be de novo. This variant was absent from large population studies. This variant is predicted to cause a frameshift, which alters the protein's amino acid sequence beginning at position 282 and leads to a premature termination codon 22 amino acids downstream. This alteration is then predicted to lead to a truncated or absent protein. Heterozygous loss of function of the QRICH1 gene is an established disease mechanism in Ververi-Brady syndrome. In summary, this variant meets criteria to be classified as pathogenic for autosomal dominant Ververi-Brady syndrome. ACMG/AMP Criteria applied: PVS1, PS2_supporting, PM2_supporting (Richards 2015).